The following is an entry in ClinVar:

NM_001382391.1(CSPP1):c.818dup (p.Tyr273Ter)

Gene: CSPP1 (centrosome and spindle pole associated protein 1; plus strand). Cytogenetic location: 8q13.1.
Variant type: Duplication.
Coding change: c.818dup on transcript NM_001382391.1 (MANE Select); coding-DNA position 818, one base duplicated (A; older notation c.818dupA).
Protein change: p.Tyr273Ter; replaces tyrosine 273 with a stop codon.
Molecular consequence: nonsense. On other transcripts: 5 prime UTR variant (1), frameshift variant (1).
Genome position (GRCh38, 1-based): chr8:67,095,627, A duplicated. VCF-style (leftmost placement, unchanged base first): chr8-67095626-T-TA. GRCh37 (hg19) VCF-style: chr8-68007861-T-TA.
Other names: c.845dupA (NM_024790.6); c.-38dup (NM_001291339.2); c.737dup, p.Tyr246Ter (NM_001363131.2, NM_001363133.2); c.818dup, p.Tyr273Ter (NM_001363132.2); c.926dup, p.Tyr309Ter (NM_001364869.1); c.845dup, p.Tyr282Ter (NM_001364870.1); c.845dup, p.Tyr282Terfs (NM_024790.7); short protein forms Y273*, Y282*, Y309*, Y246*.
Identifiers: ClinVar variation 3710105 (VCV003710105.3).

ClinVar aggregate classification (germline): Pathogenic. Review status: criteria provided, multiple submitters, no conflicts (2 of 4 stars). 2 submissions from 2 submitters: Pathogenic (2). Last evaluated 2025-02-06.

Conditions:
Joubert syndrome 21 (JBTS21). Identifiers: MedGen C3810212, MONDO:0014288, OMIM 615636.
Inborn genetic diseases. Identifiers: MedGen C0950123, MeSH D030342.

Submissions (2):

Ambry Genetics
Classification: Pathogenic for Inborn genetic diseases. Last evaluated: 2025-02-06. Review status: criteria provided, single submitter. Criteria: Ambry Variant Classification Scheme 2023. Collection method: clinical testing. Allele origin: germline.
Comment: The c.845dupA (p.Y282*) alteration, located in exon 6 (coding exon 6) of the CSPP1 gene, consists of a duplication of A at position 845, causing a translational frameshift with a predicted alternate stop codon after amino acids. This alteration is expected to result in loss of function by premature protein truncation or nonsense-mediated mRNA decay. Based on data from gnomAD, the AA allele has an overall frequency of <0.001% (1/248670) total alleles studied. The highest observed frequency was 0.0065% (1/15380) of African/African American alleles. Based on the available evidence, this alteration is classified as pathogenic.

Labcorp Genetics (formerly Invitae), Labcorp
Classification: Pathogenic for Joubert syndrome 21. Last evaluated: 2024-06-13. Review status: criteria provided, single submitter. Criteria: Invitae Variant Classification Sherloc (09022015). Collection method: clinical testing. Allele origin: germline.
Comment: This sequence change creates a premature translational stop signal (p.Tyr282*) in the CSPP1 gene. It is expected to result in an absent or disrupted protein product. Loss-of-function variants in CSPP1 are known to be pathogenic (PMID: 24360807, 24360808). This variant is present in population databases (no rsID available, gnomAD 0.007%). This variant has not been reported in the literature in individuals affected with CSPP1-related conditions. For these reasons, this variant has been classified as Pathogenic.

Literature cited by the submitters: PubMed 24360807 (cited by Labcorp Genetics (formerly Invitae), Labcorp); PubMed 24360808 (cited by Labcorp Genetics (formerly Invitae), Labcorp).